The following is an entry in ClinVar:

NM_005499.3(UBA2):c.230A>C (p.Lys77Thr)

Gene: UBA2 (ubiquitin like modifier activating enzyme 2; plus strand). Cytogenetic location: 19q13.11.
Variant type: single nucleotide variant.
Coding change: c.230A>C on transcript NM_005499.3 (MANE Select); coding-DNA position 230, A replaced by C.
Protein change: p.Lys77Thr; replaces lysine 77 with threonine.
Molecular consequence: missense variant. On other transcripts: 5 prime UTR variant (1).
Genome position (GRCh38, 1-based): chr19:34,431,868, A>C. VCF-style: chr19-34431868-A-C. GRCh37 (hg19) VCF-style: chr19-34922773-A-C.
Other names: c.-59A>C (NM_001411139.1); short protein forms K77T.
Identifiers: ClinVar variation 3360359 (VCV003360359.1).

ClinVar aggregate classification (germline): Uncertain significance (1 of 4 stars; one submission).

Submission:

GeneDx
Classification: Uncertain significance. Last evaluated: 2024-01-23. Review status: criteria provided, single submitter. Criteria: GeneDx Variant Classification Process June 2021. Collection method: clinical testing. Allele origin: germline. Affected: yes.
Comment: Not observed at significant frequency in large population cohorts (gnomAD); In silico analysis supports that this missense variant has a deleterious effect on protein structure/function; Has not been previously published as pathogenic or benign to our knowledge